The following is an entry in ClinVar:

ClinVar aggregate classification (germline): Uncertain significance (1 of 4 stars; one submission).

gnomAD v4.1: 83 of 1,614,008 alleles (0.0051%); highest among the groups gnomAD compares: Non-Finnish European, 0.0057%; 1 homozygote.

Submission:

Labcorp Genetics (formerly Invitae), Labcorp
Classification: Uncertain significance. Last evaluated: 2022-08-31. Review status: criteria provided, single submitter. Criteria: Invitae Variant Classification Sherloc (09022015). Collection method: clinical testing. Allele origin: germline.
Comment: In summary, the available evidence is currently insufficient to determine the role of this variant in disease. Therefore, it has been classified as a Variant of Uncertain Significance. Algorithms developed to predict the effect of missense changes on protein structure and function are either unavailable or do not agree on the potential impact of this missense change (SIFT: "Deleterious"; PolyPhen-2: "Possibly Damaging"; Align-GVGD: "Class C0"). ClinVar contains an entry for this variant (Variation ID: 1346960). This variant has not been reported in the literature in individuals affected with NAXE-related conditions. This variant is present in population databases (rs573430232, gnomAD 0.002%). This sequence change replaces aspartic acid, which is acidic and polar, with histidine, which is basic and polar, at codon 162 of the NAXE protein (p.Asp162His).

NM_144772.3(NAXE):c.484G>C (p.Asp162His)

Gene: NAXE (NAD(P)HX epimerase; plus strand). Cytogenetic location: 1q22.
Variant type: single nucleotide variant.
Coding change: c.484G>C on transcript NM_144772.3 (MANE Select); coding-DNA position 484, G replaced by C.
Protein change: p.Asp162His; replaces aspartic acid 162 with histidine.
Molecular consequence: missense variant.
Genome position (GRCh38, 1-based): chr1:156,592,638, G>C. VCF-style: chr1-156592638-G-C. GRCh37 (hg19) VCF-style: chr1-156562430-G-C.
Other names: short protein forms D162H.
Identifiers: ClinVar variation 1346960 (VCV001346960.8), dbSNP rs573430232, ClinGen allele CA1162785.